The following is an entry in ClinVar:

ClinVar aggregate classification (germline): Benign/Likely benign. Review status: criteria provided, multiple submitters, no conflicts (2 of 4 stars). 2 submissions from 2 submitters: Benign (1); Likely benign (1). Last evaluated 2025-01-26.

Conditions:
Familial adenomatous polyposis 1 (FAP1). Also called: POLYPOSIS, ADENOMATOUS INTESTINAL; FAMILIAL ADENOMATOUS POLYPOSIS 1, ATTENUATED. Identifiers: MedGen C2713442, MONDO:0021056, OMIM 175100. Disease mechanism: loss of function.
Hereditary cancer-predisposing syndrome. Also called: Neoplastic Syndromes, Hereditary; Tumor predisposition; Hereditary neoplastic syndrome; Hereditary Cancer Syndrome. Identifiers: Orphanet 140162, MedGen C0027672, MeSH D009386, MONDO:0015356.

Submissions (2):

Ambry Genetics
Classification: Likely benign for Hereditary cancer-predisposing syndrome. Last evaluated: 2025-01-26. Review status: criteria provided, single submitter. Criteria: Ambry Variant Classification Scheme 2023. Collection method: clinical testing. Allele origin: germline.

Myriad Genetics, Inc.
Classification: Benign for Familial adenomatous polyposis 1. Last evaluated: 2024-03-28. Review status: criteria provided, single submitter. Criteria: Myriad Autosomal Dominant, Autosomal Recessive and X-Linked Classification Criteria (2023). Collection method: clinical testing. Allele origin: unknown.
Comment: This variant is considered benign. This variant is a silent/synonymous amino acid change and it is not expected to impact splicing.

NM_000038.6(APC):c.4998A>G (p.Pro1666=)

Gene: APC (APC regulator of Wnt signaling pathway; plus strand). Cytogenetic location: 5q22.2.
Variant type: single nucleotide variant.
Coding change: c.4998A>G on transcript NM_000038.6 (MANE Select); coding-DNA position 4998, A replaced by G.
Protein change: p.Pro1666=; no amino-acid change (proline 1666 retained).
Molecular consequence: synonymous variant. On other transcripts: non-coding transcript variant (2).
Genome position (GRCh38, 1-based): chr5:112,840,592, A>G. VCF-style: chr5-112840592-A-G. GRCh37 (hg19) VCF-style: chr5-112176289-A-G.
Other names: c.4998A>G, p.Pro1666= (NM_001127510.3, NM_001354895.2, NM_001407450.1); c.4944A>G, p.Pro1648= (NM_001127511.3); c.5052A>G, p.Pro1684= (NM_001354896.2, NM_001407447.1, NM_001407448.1 and 1 more transcripts); c.5028A>G, p.Pro1676= (NM_001354897.2); c.4923A>G, p.Pro1641= (NM_001354898.2); c.4914A>G, p.Pro1638= (NM_001354899.2); c.4875A>G, p.Pro1625= (NM_001354900.2); c.4821A>G, p.Pro1607= (NM_001354901.2, NM_001407453.1); and 12 more.
Identifiers: ClinVar variation 3148763 (VCV003148763.2), dbSNP rs2149929465, ClinGen allele CA446208749.